The following is an entry in ClinVar:

ClinVar aggregate classification (germline): Uncertain significance (1 of 4 stars; one submission).

Conditions:
Leber congenital amaurosis 7 (LCA7). Identifiers: Orphanet 65, MedGen C3151192, MONDO:0013449, OMIM 613829.
Cone-rod dystrophy 2 (CORD2). Also called: CONE-ROD RETINAL DYSTROPHY; Cone-rod retinal dystrophy 2. Identifiers: Orphanet 1872, MedGen C3489532, MONDO:0007362, OMIM 120970.

Submission:

Labcorp Genetics (formerly Invitae), Labcorp
Classification: Uncertain significance for Cone-rod dystrophy 2; Leber congenital amaurosis 7. Last evaluated: 2025-12-08. Review status: criteria provided, single submitter. Criteria: Invitae Variant Classification Sherloc (09022015). Collection method: clinical testing. Allele origin: germline.
Comment: This sequence change replaces valine, which is neutral and non-polar, with glutamic acid, which is acidic and polar, at codon 30 of the CRX protein (p.Val30Glu). This variant is not present in population databases (gnomAD no frequency). This variant has not been reported in the literature in individuals affected with CRX-related conditions. ClinVar contains an entry for this variant (Variation ID: 2122560). Invitae Evidence Modeling of protein sequence and biophysical properties (such as structural, functional, and spatial information, amino acid conservation, physicochemical variation, residue mobility, and thermodynamic stability) has been performed for this missense variant. However, the output from this modeling did not meet the statistical confidence thresholds required to predict the impact of this variant on CRX protein function. In summary, the available evidence is currently insufficient to determine the role of this variant in disease. Therefore, it has been classified as a Variant of Uncertain Significance.

NM_000554.6(CRX):c.89T>A (p.Val30Glu)

Gene: CRX (cone-rod homeobox; plus strand). Cytogenetic location: 19q13.33.
Variant type: single nucleotide variant.
Coding change: c.89T>A on transcript NM_000554.6 (MANE Select); coding-DNA position 89, T replaced by A.
Protein change: p.Val30Glu; replaces valine 30 with glutamic acid.
Molecular consequence: missense variant.
Genome position (GRCh38, 1-based): chr19:47,834,532, T>A. VCF-style: chr19-47834532-T-A. GRCh37 (hg19) VCF-style: chr19-48337789-T-A.
Other names: short protein forms V30E.
Identifiers: ClinVar variation 2122560 (VCV002122560.4), dbSNP rs2514250200, ClinGen allele CA406629111.